The following is an entry in ClinVar:

ClinVar aggregate classification (germline): Uncertain significance. Review status: criteria provided, multiple submitters, no conflicts (2 of 4 stars). 2 submissions from 2 submitters: Uncertain significance (2). Last evaluated 2024-11-05.

Conditions:
Congenital adrenal hyperplasia due to cytochrome P450 oxidoreductase deficiency. Also called: DISORDERED STEROIDOGENESIS DUE TO POR DEFICIENCY. Identifiers: Orphanet 95699, MedGen C1860042, MONDO:0013310, OMIM 613571.

Allele frequency attached by ClinVar (database versions not stated): gnomAD 0.00001; TOPMed 0.00001; gnomAD exomes 0.00002.
gnomAD v4.1: 34 of 1,579,194 alleles (0.0022%); highest among the groups gnomAD compares: Middle Eastern, 0.033%; no homozygotes.

Submissions (2):

Labcorp Genetics (formerly Invitae), Labcorp
Classification: Uncertain significance for Congenital adrenal hyperplasia due to cytochrome P450 oxidoreductase deficiency. Last evaluated: 2024-11-05. Review status: criteria provided, single submitter. Criteria: Invitae Variant Classification Sherloc (09022015). Collection method: clinical testing. Allele origin: germline.
Comment: This sequence change replaces arginine, which is basic and polar, with tryptophan, which is neutral and slightly polar, at codon 579 of the POR protein (p.Arg579Trp). The frequency data for this variant in the population databases is considered unreliable, as metrics indicate poor data quality at this position in the gnomAD database. This variant has not been reported in the literature in individuals affected with POR-related conditions. ClinVar contains an entry for this variant (Variation ID: 1525671). Invitae Evidence Modeling of protein sequence and biophysical properties (such as structural, functional, and spatial information, amino acid conservation, physicochemical variation, residue mobility, and thermodynamic stability) indicates that this missense variant is not expected to disrupt POR protein function with a negative predictive value of 80%. In summary, the available evidence is currently insufficient to determine the role of this variant in disease. Therefore, it has been classified as a Variant of Uncertain Significance.

Blueprint Genetics
Classification: Uncertain significance. Last evaluated: 2024-06-27. Review status: criteria provided, single submitter. Criteria: ACMG Guidelines, 2015. Collection method: clinical testing. Allele origin: germline.

NM_001395413.1(POR):c.1726C>T (p.Arg576Trp)

Gene: POR (cytochrome p450 oxidoreductase; plus strand). Cytogenetic location: 7q11.23.
Variant type: single nucleotide variant.
Coding change: c.1726C>T on transcript NM_001395413.1 (MANE Select); coding-DNA position 1726, C replaced by T.
Protein change: p.Arg576Trp; replaces arginine 576 with tryptophan.
Molecular consequence: missense variant.
Genome position (GRCh38, 1-based): chr7:75,985,988, C>T. VCF-style: chr7-75985988-C-T. GRCh37 (hg19) VCF-style: chr7-75615306-C-T.
Other names: c.1726C>T, p.Arg576Trp (NM_001367562.3, NM_001382657.2, NM_001382658.3 and 1 more transcripts); c.1780C>T, p.Arg594Trp (NM_001382655.3); c.1576C>T, p.Arg526Trp (NM_001382662.3); short protein forms R526W, R576W, R594W.
Identifiers: ClinVar variation 1525671 (VCV001525671.7), dbSNP rs868927799, ClinGen allele CA367750563.